The following is an entry in ClinVar:

ClinVar aggregate classification (germline): Uncertain significance. Review status: criteria provided, multiple submitters, no conflicts (2 of 4 stars). 2 submissions from 2 submitters: Uncertain significance (2). Last evaluated 2025-05-27.

Conditions:
KRT1-related disorder. Also called: KRT1-related condition.

gnomAD v4.1: 4 of 1,614,100 alleles (0.00025%); highest among the groups gnomAD compares: African/African-American, 0.0013%; no homozygotes.

Submissions (2):

PreventionGenetics, part of Exact Sciences
Classification: Uncertain significance for KRT1-related condition. Last evaluated: 2025-05-27. Review status: criteria provided, single submitter. Criteria: ACMG Guidelines, 2015. Collection method: clinical testing. Allele origin: germline.
Comment: The KRT1 c.1071G>C variant is predicted to result in the amino acid substitution p.Gln357His. To our knowledge, this variant has not been reported in the literature or in a large population database (gnomAD), indicating this variant is rare. At this time, the clinical significance of this variant is uncertain due to the absence of conclusive functional and genetic evidence.

Blueprint Genetics
Classification: Uncertain significance. Last evaluated: 2022-12-22. Review status: criteria provided, single submitter. Criteria: ACMG Guidelines, 2015. Collection method: clinical testing. Allele origin: germline.

NM_006121.4(KRT1):c.1071G>C (p.Gln357His)

Gene: KRT1 (keratin 1; minus strand). Cytogenetic location: 12q13.13.
Variant type: single nucleotide variant.
Coding change: c.1071G>C on transcript NM_006121.4 (MANE Select); coding-DNA position 1071, G replaced by C.
Protein change: p.Gln357His; replaces glutamine 357 with histidine.
Molecular consequence: missense variant.
Genome position (GRCh38, 1-based): chr12:52,677,373, C>G on the plus strand (G>C on the coding strand, the complement: KRT1 is on the minus strand). VCF-style: chr12-52677373-C-G. GRCh37 (hg19) VCF-style: chr12-53071157-C-G.
Other names: c.1071G>C (NM_006121.3); short protein forms Q357H.
Identifiers: ClinVar variation 4917029 (VCV004917029.2).